The following is an entry in ClinVar:

ClinVar aggregate classification (germline): Conflicting classifications of pathogenicity. Review status: criteria provided, conflicting classifications (1 of 4 stars). 4 submissions from 4 submitters: Uncertain significance (3); Likely benign (1). Last evaluated 2025-08-20.

Conditions:
Familial isolated arrhythmogenic right ventricular dysplasia. Identifiers: Orphanet 217656, MedGen C4274968, MONDO:0016342.
Arrhythmogenic right ventricular dysplasia 11. Also called: Arrhythmogenic right ventricular dysplasia 11 with mild palmoplantar keratoderma and woolly hair; Arrhythmogenic Right Ventricular Dysplasia/Cardiomyopathy11; ARRHYTHMOGENIC RIGHT VENTRICULAR DYSPLASIA, FAMILIAL, 11. Identifiers: MedGen C1864850, MONDO:0012506, OMIM 610476.
Cardiomyopathy (CMYO). Also called: Cardiomyopathies. Identifiers: Orphanet 167848, MedGen C0878544, MONDO:0004994, HP:0001638. Inheritance: Various modes of inheritance.

Allele frequency attached by ClinVar (database versions not stated): TOPMed below 0.00001; gnomAD 0.00001.
gnomAD v4.1: 2 of 1,613,888 alleles (0.00012%); highest among the groups gnomAD compares: Non-Finnish European, 0.000085%; no homozygotes.

Submissions (4):

Color Diagnostics, LLC DBA Color Health
Classification: Likely benign for Cardiomyopathy. Last evaluated: 2025-08-20. Review status: criteria provided, single submitter. Criteria: ACMG Guidelines, 2015. Collection method: clinical testing. Allele origin: germline.

All of Us Research Program, National Institutes of Health
Classification: Uncertain significance for Familial isolated arrhythmogenic right ventricular dysplasia. Last evaluated: 2024-03-05. Review status: criteria provided, single submitter. Criteria: ACMG Guidelines, 2015. Collection method: clinical testing. Allele origin: germline. Inheritance: Autosomal dominant inheritance. Observed: 2 variant alleles, 2 heterozygotes.
Comment: This missense variant replaces glycine with glutamic acid at codon 799 of the DSC2 protein. Computational prediction suggests that this variant may not impact protein structure and function (internally defined REVEL score threshold <= 0.5, PMID: 27666373). To our knowledge, functional studies have not been reported for this variant. This variant has been reported in one individual affected with arrhythmogenic right ventricular cardiomyopathy (PMID: 27532257). This variant has not been identified in the general population by the Genome Aggregation Database (gnomAD). The available evidence is insufficient to determine the role of this variant in disease conclusively. Therefore, this variant is classified as a Variant of Uncertain Significance.

This study involves interpretation of variants in research participants for the purpose of population health screening. Participant phenotype was not available at the time of variant classification. Additional details can be found in publication PMID: 35346344, PMCID: PMC8962531

Labcorp Genetics (formerly Invitae), Labcorp
Classification: Uncertain significance for Arrhythmogenic right ventricular dysplasia 11. Last evaluated: 2023-04-28. Review status: criteria provided, single submitter. Criteria: Invitae Variant Classification Sherloc (09022015). Collection method: clinical testing. Allele origin: germline.
Comment: In summary, the available evidence is currently insufficient to determine the role of this variant in disease. Therefore, it has been classified as a Variant of Uncertain Significance. Advanced modeling of protein sequence and biophysical properties (such as structural, functional, and spatial information, amino acid conservation, physicochemical variation, residue mobility, and thermodynamic stability) performed at Invitae indicates that this missense variant is not expected to disrupt DSC2 protein function. ClinVar contains an entry for this variant (Variation ID: 199774). This missense change has been observed in individual(s) with arrhythmogenic right ventricular cardiomyopathy (PMID: 27532257). This variant is not present in population databases (gnomAD no frequency). This sequence change replaces glycine, which is neutral and non-polar, with glutamic acid, which is acidic and polar, at codon 799 of the DSC2 protein (p.Gly799Glu).

GeneDx
Classification: Uncertain significance. Last evaluated: 2014-03-01. Review status: criteria provided, single submitter. Criteria: GeneDx Variant Classification (06012015). Collection method: clinical testing. Allele origin: germline. Affected: yes.
Comment: p.Gly799Glu (GGG>GAG): c.2396 G>A in exon 15 of the DSC2 gene (NM_024422.3) A variant of unknown significance has been identified in the DSC2 gene. The G799E variant has not been published as a mutation, nor has it been reported as a benign polymorphism to our knowledge. The G799E variant was not observed in approximately 6,500 individuals of European and African American ancestry in the NHLBI Exome Sequencing Project, indicating it is not a common benign variant in these populations. The G799E variant is a non-conservative amino acid substitution, which is likely to impact secondary protein structure as these residues differ in polarity, charge, size and/or other properties. However, this substitution occurs at a position that is not conserved across species (E799 is present in dolphin and cow), and in silico analysis is inconsistent in its predictions as to whether or not the variant is damaging to the protein structure/function. Additionally, no missense mutations in nearby residues have been reported in association with ARVC, suggesting this region of the protein may be tolerant of change. Therefore, based on the currently available information, it is unclear whether this variant is a pathogenic mutation or a rare benign variant. This result cannot be interpreted for diagnosis or used for family member screening at this time. The variant is found in ARVC panel(s).

Literature cited by the submitters: PubMed 27532257 (cited by All of Us Research Program, National Institutes of Health and Labcorp Genetics (formerly Invitae), Labcorp).

NM_024422.6(DSC2):c.2396G>A (p.Gly799Glu)

Gene: DSC2 (desmocollin 2; minus strand). Cytogenetic location: 18q12.1.
Variant type: single nucleotide variant.
Coding change: c.2396G>A on transcript NM_024422.6 (MANE Select); coding-DNA position 2396, G replaced by A.
Protein change: p.Gly799Glu; replaces glycine 799 with glutamic acid.
Molecular consequence: missense variant.
Genome position (GRCh38, 1-based): chr18:31,069,006, C>T on the plus strand (G>A on the coding strand, the complement: DSC2 is on the minus strand). VCF-style: chr18-31069006-C-T. GRCh37 (hg19) VCF-style: chr18-28648972-C-T.
Other names: p.G799E:GGG>GAG; c.2396G>A, p.Gly799Glu (NM_004949.5); short protein forms G799E.
Identifiers: ClinVar variation 199774 (VCV000199774.6), dbSNP rs794728071, ClinGen allele CA022707.